The following is an entry in ClinVar:

ClinVar aggregate classification (germline): Likely benign. Review status: criteria provided, multiple submitters, no conflicts (2 of 4 stars). 2 submissions from 2 submitters: Likely benign (2). Last evaluated 2025-06-23.

Conditions:
Developmental and epileptic encephalopathy, 12 (DEE12). Identifiers: MedGen C3150988, MONDO:0013389, OMIM 613722.

Allele frequency attached by ClinVar (database versions not stated): ExAC 0.00028.
gnomAD v4.1: 35 of 1,559,046 alleles (0.0022%); highest among the groups gnomAD compares: South Asian, 0.011%; no homozygotes.

Submissions (2):

Labcorp Genetics (formerly Invitae), Labcorp
Classification: Likely benign for Developmental and epileptic encephalopathy, 12. Last evaluated: 2025-06-23. Review status: criteria provided, single submitter. Criteria: Invitae Variant Classification Sherloc (09022015). Collection method: clinical testing. Allele origin: germline.

GeneDx
Classification: Likely benign. Last evaluated: 2018-01-29. Review status: criteria provided, single submitter. Criteria: GeneDx Variant Classification (06012015). Collection method: clinical testing. Allele origin: germline. Affected: yes.
Comment: This variant is considered likely benign or benign based on one or more of the following criteria: it is a conservative change, it occurs at a poorly conserved position in the protein, it is predicted to be benign by multiple in silico algorithms, and/or has population frequency not consistent with disease.

NM_007254.4(PNKP):c.1298+20G>A

Gene: PNKP (polynucleotide kinase 3'-phosphatase; minus strand). Cytogenetic location: 19q13.33.
Variant type: single nucleotide variant.
Coding change: c.1298+20G>A on transcript NM_007254.4 (MANE Select); 20 bases into the intron after coding-DNA position 1298, G replaced by A.
Molecular consequence: intron variant.
Genome position (GRCh38, 1-based): chr19:49,861,752, C>T on the plus strand (G>A on the coding strand, the complement: PNKP is on the minus strand). VCF-style: chr19-49861752-C-T. GRCh37 (hg19) VCF-style: chr19-50365009-C-T.
Identifiers: ClinVar variation 515211 (VCV000515211.9), dbSNP rs765634741, ClinGen allele CA9586472.
Genomic context (GRCh38, chr19:49,861,752, plus strand): 5'-GTACCTGTGGGGGAAGGAGCTGGATGTGCAGGCCCCGCCCACCCCGCCGCAGGCCACCTA[C>T]GGCCCCGCGGTCACGCTACCTGGCGCGGCTCGCGGCGTCTGGGTTTGTGTTGTCGATGGC-3'